The following is an entry in ClinVar:

ClinVar aggregate classification (germline): Uncertain significance (1 of 4 stars; one submission).

Conditions:
Autosomal recessive ataxia, Beauce type. Also called: SYNE1-Related Autosomal Recessive Cerebellar Ataxia; Spinocerebellar ataxia, autosomal recessive 8; ATAXIA, RECESSIVE, OF BEAUCE; SYNE1 Deficiency. Identifiers: Orphanet 88644, MedGen C1853116, MONDO:0012549, OMIM 610743.
Emery-Dreifuss muscular dystrophy 4, autosomal dominant (EDMD4). Also called: EMERY-DREIFUSS MUSCULAR DYSTROPHY 4 WITH VARIABLE FEATURES. Identifiers: Orphanet 261, MedGen C2751807, MONDO:0013071, OMIM 612998.

Allele frequency attached by ClinVar (database versions not stated): gnomAD 0.00001; TOPMed 0.00002; ESP Exome Variant Server 0.00008.
gnomAD v4.1: 4 of 1,614,080 alleles (0.00025%); highest among the groups gnomAD compares: Admixed American, 0.0017%; no homozygotes.

Submission:

Labcorp Genetics (formerly Invitae), Labcorp
Classification: Uncertain significance for Emery-Dreifuss muscular dystrophy 4, autosomal dominant; Autosomal recessive ataxia, Beauce type. Last evaluated: 2022-02-27. Review status: criteria provided, single submitter. Criteria: Invitae Variant Classification Sherloc (09022015). Collection method: clinical testing. Allele origin: germline.
Comment: This sequence change replaces threonine, which is neutral and polar, with methionine, which is neutral and non-polar, at codon 2928 of the SYNE1 protein (p.Thr2928Met). This variant is present in population databases (rs371229610, gnomAD 0.006%). This variant has not been reported in the literature in individuals affected with SYNE1-related conditions. ClinVar contains an entry for this variant (Variation ID: 538406). Algorithms developed to predict the effect of missense changes on protein structure and function are either unavailable or do not agree on the potential impact of this missense change (SIFT: "Deleterious"; PolyPhen-2: "Possibly Damaging"; Align-GVGD: "Class C0"). In summary, the available evidence is currently insufficient to determine the role of this variant in disease. Therefore, it has been classified as a Variant of Uncertain Significance.

NM_182961.4(SYNE1):c.8762C>T (p.Thr2921Met)

Genes: SYNE1-AS1 (SYNE1 antisense RNA 1; plus strand), SYNE1 (spectrin repeat containing nuclear envelope protein 1; minus strand). Cytogenetic location: 6q25.2.
Variant type: single nucleotide variant.
Coding change: c.8762C>T on transcript NM_182961.4 (MANE Select); coding-DNA position 8762, C replaced by T.
Protein change: p.Thr2921Met; replaces threonine 2921 with methionine.
Molecular consequence: missense variant. On other transcripts: non-coding transcript variant (1).
Genome position (GRCh38, 1-based): chr6:152,381,253, G>A on the plus strand (C>T on the coding strand, the complement: SYNE1 is on the minus strand). VCF-style: chr6-152381253-G-A. GRCh37 (hg19) VCF-style: chr6-152702388-G-A.
Other names: c.8783C>T, p.Thr2928Met (NM_033071.5); short protein forms T2928M, T2921M.
Identifiers: ClinVar variation 538406 (VCV000538406.8), dbSNP rs371229610, ClinGen allele CA4057465.